The following is an entry in ClinVar:

ClinVar aggregate classification (germline): Conflicting classifications of pathogenicity. Review status: criteria provided, conflicting classifications (1 of 4 stars). 3 submissions from 3 submitters: Likely pathogenic (1); Uncertain significance (1). 1 of the submissions does not count toward it. Last evaluated 2020-12-01.

Conditions:
Charcot-Marie-Tooth disease type 2. Also called: Charcot-Marie-Tooth type 2. Identifiers: Orphanet 64746, MedGen C0270914, MONDO:0018993.
Charcot-Marie-Tooth disease, axonal, autosomal recessive, type 2a2b;. Also called: Charcot-Marie-Tooth disease, axonal, type 2A2B; Charcot-Marie-Tooth disease, axonal, autosomal recessive, type 2A2B. Identifiers: MedGen C4310725, MONDO:0014906, OMIM 617087.
Charcot-Marie-Tooth disease type 4. Also called: Charcot-Marie-Tooth, Type 4; Charcot-Marie-Tooth disease, type IV. Identifiers: Orphanet 64749, MedGen C4082197, MONDO:0018995.

Submissions (3):

CMT Laboratory, Bogazici University
Classification: Likely pathogenic for Charcot-Marie-Tooth disease, axonal, autosomal recessive, type 2a2b;. Last evaluated: 2020-12-01. Review status: criteria provided, single submitter. Criteria: ACMG Guidelines, 2015. Collection method: clinical testing. Allele origin: germline. Affected: yes. Observed: 1 variant allele.

Labcorp Genetics (formerly Invitae), Labcorp
Classification: Uncertain significance for Charcot-Marie-Tooth disease type 2. Last evaluated: 2018-10-17. Review status: criteria provided, single submitter. Criteria: Invitae Variant Classification Sherloc (09022015). Collection method: clinical testing. Allele origin: germline.
Comment: This sequence change replaces valine with leucine at codon 91 of the MFN2 protein (p.Val91Leu). The valine residue is highly conserved and there is a small physicochemical difference between valine and leucine. This variant is not present in population databases (ExAC no frequency). This variant has been observed to segregate with Charcot Marie Tooth disease in a family (Invitae). ClinVar contains an entry for this variant (Variation ID: 581439). Algorithms developed to predict the effect of missense changes on protein structure and function do not agree on the potential impact of this missense change (SIFT: "Tolerated"; PolyPhen-2: "Probably Damaging"; Align-GVGD: "Class C0"). In summary, the available evidence is currently insufficient to determine the role of this variant in disease. Therefore, it has been classified as a Variant of Uncertain Significance.

Genesis Genome Database
Classification: Uncertain significance for Charcot-Marie-Tooth disease type 4. Last evaluated: 2019-08-14. Review status: no assertion criteria provided. Collection method: research. Allele origin: germline. Affected: yes. Not counted in ClinVar's aggregate classification.

Literature cited by the submitters: PubMed 31673878 (cited by CMT Laboratory, Bogazici University).

NM_014874.4(MFN2):c.271G>T (p.Val91Leu)

Gene: MFN2 (mitofusin 2; plus strand). Cytogenetic location: 1p36.22.
Variant type: single nucleotide variant.
Coding change: c.271G>T on transcript NM_014874.4 (MANE Select); coding-DNA position 271, G replaced by T.
Protein change: p.Val91Leu; replaces valine 91 with leucine.
Molecular consequence: missense variant.
Genome position (GRCh38, 1-based): chr1:11,992,650, G>T. VCF-style: chr1-11992650-G-T. GRCh37 (hg19) VCF-style: chr1-12052707-G-T.
Other names: c.271G>T, p.Val91Leu (NM_001127660.2); short protein forms V91L.
Identifiers: ClinVar variation 581439 (VCV000581439.4), dbSNP rs1557519001, ClinGen allele CA338462123.